The following is an entry in ClinVar:

NM_005076.5(CNTN2):c.2655T>G (p.His885Gln)

Gene: CNTN2 (contactin 2; plus strand). Cytogenetic location: 1q32.1.
Variant type: single nucleotide variant.
Coding change: c.2655T>G on transcript NM_005076.5 (MANE Select); coding-DNA position 2655, T replaced by G.
Protein change: p.His885Gln; replaces histidine 885 with glutamine.
Molecular consequence: missense variant. On other transcripts: non-coding transcript variant (1).
Genome position (GRCh38, 1-based): chr1:205,072,057, T>G. VCF-style: chr1-205072057-T-G. GRCh37 (hg19) VCF-style: chr1-205041185-T-G.
Other names: c.2655T>G, p.His885Gln (NM_001346083.2); short protein forms H885Q.
Identifiers: ClinVar variation 1471553 (VCV001471553.8), dbSNP rs759745695, ClinGen allele CA344381293.

ClinVar aggregate classification (germline): Uncertain significance (1 of 4 stars; one submission).

Conditions:
Epilepsy, familial adult myoclonic, 5 (EPEO5). Also called: CORTICAL MYOCLONIC TREMOR WITH EPILEPSY, FAMILIAL, 5. Identifiers: Orphanet 86814, MedGen C3809374, MONDO:0014167, OMIM 615400.

Submission:

Labcorp Genetics (formerly Invitae), Labcorp
Classification: Uncertain significance for Epilepsy, familial adult myoclonic, 5. Last evaluated: 2021-06-06. Review status: criteria provided, single submitter. Criteria: Invitae Variant Classification Sherloc (09022015). Collection method: clinical testing. Allele origin: germline.
Comment: Advanced modeling of protein sequence and biophysical properties (such as structural, functional, and spatial information, amino acid conservation, physicochemical variation, residue mobility, and thermodynamic stability) performed at Invitae indicates that this missense variant is not expected to disrupt CNTN2 protein function. This variant has not been reported in the literature in individuals with CNTN2-related conditions. This variant is not present in population databases (ExAC no frequency). This sequence change replaces histidine with glutamine at codon 885 of the CNTN2 protein (p.His885Gln). The histidine residue is highly conserved and there is a small physicochemical difference between histidine and glutamine. Algorithms developed to predict the effect of sequence changes on RNA splicing suggest that this variant may create or strengthen a splice site, but this prediction has not been confirmed by published transcriptional studies. In summary, the available evidence is currently insufficient to determine the role of this variant in disease. Therefore, it has been classified as a Variant of Uncertain Significance.